The following is an entry in ClinVar:

NM_003737.4(DCHS1):c.76CTG[10] (p.Leu32_Leu33dup)

Gene: DCHS1 (dachsous cadherin-related 1; minus strand). Cytogenetic location: 11p15.4.
Variant type: Microsatellite.
Coding change: c.76CTG[10] on transcript NM_003737.4 (MANE Select); ten copies in a row of the 3-base unit CTG starting at c.76; the reference has eight copies in a row; two copies, 6 bases duplicated.
Protein change: p.Leu32_Leu33dup.
Molecular consequence: inframe insertion.
Genome position (GRCh38, 1-based): chr11:6,641,515-6,641,520, CAGCAG duplicated on the plus strand (CTGCTG on the coding strand, the reverse complement: DCHS1 is on the minus strand); duplicating any 6 consecutive bases within chr11:6,641,515-6,641,540 gives the same sequence; the position shown is the placement nearest the transcript's 3' end. VCF-style (leftmost placement, unchanged base first): chr11-6641514-C-CCAGCAG. GRCh37 (hg19) VCF-style: chr11-6662745-C-CCAGCAG.
Identifiers: ClinVar variation 1445112 (VCV001445112.6), dbSNP rs72555381, ClinGen allele CA5861215.

ClinVar aggregate classification (germline): Uncertain significance (1 of 4 stars; one submission).

Submission:

Labcorp Genetics (formerly Invitae), Labcorp
Classification: Uncertain significance. Last evaluated: 2024-11-18. Review status: criteria provided, single submitter. Criteria: Invitae Variant Classification Sherloc (09022015). Collection method: clinical testing. Allele origin: germline.
Comment: This variant, c.94_99dup, results in the insertion of 2 amino acid(s) of the DCHS1 protein (p.Leu32_Leu33dup), but otherwise preserves the integrity of the reading frame. This variant is not present in population databases (gnomAD no frequency). This variant has not been reported in the literature in individuals affected with DCHS1-related conditions. Experimental studies and prediction algorithms are not available or were not evaluated, and the functional significance of this variant is currently unknown. In summary, the available evidence is currently insufficient to determine the role of this variant in disease. Therefore, it has been classified as a Variant of Uncertain Significance.